The following is an entry in ClinVar:

ClinVar aggregate classification (germline): Pathogenic (1 of 4 stars; one submission).

Conditions:
MASA syndrome. Also called: CRASH syndrome; ADDUCTED THUMB WITH MENTAL RETARDATION; CLASPED THUMB AND MENTAL RETARDATION; GAREIS-MASON SYNDROME; MENTAL RETARDATION, APHASIA, SHUFFLING GAIT, AND ADDUCTED THUMBS; SPASTIC PARAPLEGIA 1, X-LINKED. Identifiers: Orphanet 2466, MedGen C0795953, MONDO:0010559, OMIM 303350.
X-linked hydrocephalus syndrome (HYCX). Also called: X-Linked Hydrocephalus with Stenosis of the Aqueduct of Sylvius; AQUEDUCTAL STENOSIS, X-LINKED; HYDROCEPHALUS, CONGENITAL, X-LINKED; X-linked hydrocephalus; X-Linked Hydrocephalus with Stenosis of the Aqueduct of Sylvius (HSAS). Identifiers: Orphanet 2182, MedGen C0265216, MONDO:0010611, OMIM 307000.
X-linked complicated corpus callosum dysgenesis. Also called: X-Linked Complicated Corpus Callosum Agenesis. Identifiers: Orphanet 1497, MedGen C1839909, MONDO:0010569, OMIM 304100.

Submission:

Juno Genomics, Hangzhou Juno Genomics, Inc
Classification: Pathogenic for X-linked complicated corpus callosum dysgenesis; X-linked hydrocephalus syndrome; MASA syndrome. Review status: criteria provided, single submitter. Criteria: ACMG Guidelines, 2015. Collection method: clinical testing. Allele origin: germline. Affected: yes.
Comment: Absent from controls (or at extremely low frequency if recessive) in Genome Aggregation Database, Exome Sequencing Project, 1000 Genomes Project, or Exome Aggregation Consortium.;Null variant in a gene where loss of function (LOF) is a known mechanism of disease.;Patient's phenotype or family history is highly specific for a disease with a single genetic etiology.

NM_001278116.2(L1CAM):c.2575_2576del (p.Arg859fs)

Gene: L1CAM (L1 cell adhesion molecule; minus strand). Cytogenetic location: Xq28.
Variant type: Microsatellite.
Coding change: c.2575_2576del on transcript NM_001278116.2 (MANE Select); coding-DNA positions 2575 to 2576, 2 bases deleted (AG; older notation c.2575_2576delAG).
Protein change: p.Arg859fs; shifts the reading frame from arginine 859.
Molecular consequence: frameshift variant.
Genome position (GRCh38, 1-based): chrX:153,865,472-153,865,473, CT deleted on the plus strand (AG on the coding strand, the reverse complement: L1CAM is on the minus strand); deleting any 2 consecutive bases within chrX:153,865,472-153,865,475 gives the same sequence; the c. name uses the placement nearest the transcript's 3' end. VCF-style (leftmost placement, unchanged base first): chrX-153865471-CCT-C. GRCh37 (hg19) VCF-style: chrX-153130926-CCT-C.
Other names: c.2575_2576del, p.Arg859fs (NM_000425.5, NM_024003.3); c.2560_2561del, p.Arg854fs (NM_001143963.2); short protein forms R854fs, R859fs.
Identifiers: ClinVar variation 3382836 (VCV003382836.2).